The following is an entry in ClinVar:

ClinVar aggregate classification (germline): Uncertain significance (1 of 4 stars; one submission).

Conditions:
Methylmalonic aciduria, cblA type (MACA). Also called: Methylmalonic aciduria, vitamin B12-responsive; Vitamin B12-responsive methylmalonic acidemia type cblA; Methylmalonic aciduria, vitamin b12-responsive, due to defect in synthesis of adenosylcobalamin, cbla complementation type; MMA cbl A type; Methylmalonic acidemia cblA type. Identifiers: Orphanet 28, Orphanet 79310, MedGen C1855109, MONDO:0009613, OMIM 251100.

Submission:

Myriad Genetics, Inc.
Classification: Uncertain significance for Methylmalonic aciduria, cblA type. Last evaluated: 2026-07-15. Review status: criteria provided, single submitter. Criteria: Myriad Autosomal Dominant, Autosomal Recessive and X-Linked Classification Criteria (2023). Collection method: clinical testing. Allele origin: unknown.
Comment: NM_172250.2(MMAA):c.826A>G(K276E) is a missense variant classified as a variant of uncertain significance in the context of methylmalonic acidemia, cblA type. K276E has been observed in a case with relevant disease (PMID: 23026888). Relevant functional assessments of this variant are available in the literature (PMID: 28497574). K276E has not been observed in referenced population frequency databases. In summary, there is insufficient evidence to classify NM_172250.2(MMAA):c.826A>G(K276E) as pathogenic or benign. Please note: this variant was assessed in the context of healthy population screening.

Literature cited by the submitters: PubMed 23026888; PubMed 28497574.

NM_172250.3(MMAA):c.826A>G (p.Lys276Glu)

Gene: MMAA (metabolism of cobalamin associated A; plus strand). Cytogenetic location: 4q31.21.
Variant type: single nucleotide variant.
Coding change: c.826A>G on transcript NM_172250.3 (MANE Select); coding-DNA position 826, A replaced by G.
Protein change: p.Lys276Glu; replaces lysine 276 with glutamic acid.
Molecular consequence: missense variant.
Genome position (GRCh38, 1-based): chr4:145,654,000, A>G. VCF-style: chr4-145654000-A-G. GRCh37 (hg19) VCF-style: chr4-146575152-A-G.
Other names: c.826A>G, p.Lys276Glu (NM_001375644.1); short protein forms K276E.
Identifiers: ClinVar variation 5003282 (VCV005003282.1).